The following is an entry in ClinVar:

ClinVar aggregate classification (germline): Uncertain significance (1 of 4 stars; one submission).

gnomAD v4.1: 6 of 1,613,356 alleles (0.00037%); highest among the groups gnomAD compares: Non-Finnish European, 0.00042%; no homozygotes.

Submission:

Labcorp Genetics (formerly Invitae), Labcorp
Classification: Uncertain significance. Last evaluated: 2024-05-02. Review status: criteria provided, single submitter. Criteria: Invitae Variant Classification Sherloc (09022015). Collection method: clinical testing. Allele origin: germline.
Comment: This sequence change replaces histidine, which is basic and polar, with arginine, which is basic and polar, at codon 79 of the SLC51B protein (p.His79Arg). This variant is not present in population databases (gnomAD no frequency). This variant has not been reported in the literature in individuals affected with SLC51B-related conditions. An algorithm developed to predict the effect of missense changes on protein structure and function (PolyPhen-2) suggests that this variant is likely to be tolerated. In summary, the available evidence is currently insufficient to determine the role of this variant in disease. Therefore, it has been classified as a Variant of Uncertain Significance.

NM_178859.4(SLC51B):c.236A>G (p.His79Arg)

Genes: RASL12 (RAS like family 12; minus strand), SLC51B (SLC51 subunit beta; plus strand). Cytogenetic location: 15q22.31.
Variant type: single nucleotide variant.
Coding change: c.236A>G on transcript NM_178859.4 (MANE Select); coding-DNA position 236, A replaced by G.
Protein change: p.His79Arg; replaces histidine 79 with arginine.
Molecular consequence: missense variant.
Genome position (GRCh38, 1-based): chr15:65,053,013, A>G. VCF-style: chr15-65053013-A-G. GRCh37 (hg19) VCF-style: chr15-65345351-A-G.
Other names: short protein forms H79R.
Identifiers: ClinVar variation 3729236 (VCV003729236.2).